The following is an entry in ClinVar:

ClinVar aggregate classification (germline): Uncertain significance (1 of 4 stars; one submission).

Conditions:
Neuronopathy, distal hereditary motor, autosomal dominant 11. Also called: NEUROPATHY, DISTAL HEREDITARY MOTOR, 11. Identifiers: MedGen C5882697, MONDO:0957875, OMIM 620528.
Spastic paraplegia 91, autosomal dominant, with or without cerebellar ataxia (SPG91). Identifiers: MedGen C5882701, MONDO:0957813, OMIM 620538.
Developmental delay with or without epilepsy (DEVEP). Identifiers: MedGen C5882702, MONDO:0957815, OMIM 620540.
Developmental and epileptic encephalopathy, 5 (DEE5). Identifiers: Orphanet 3451, MedGen C3150731, MONDO:0013277, OMIM 613477.

gnomAD v4.1: 1 of 1,614,206 alleles (0.000062%); highest among the groups gnomAD compares: South Asian, 0.0011%; no homozygotes.

Submission:

Juno Genomics, Hangzhou Juno Genomics, Inc
Classification: Uncertain significance for Developmental delay with or without epilepsy; Neuronopathy, distal hereditary motor, autosomal dominant 11; Spastic paraplegia 91, autosomal dominant, with or without cerebellar ataxia; Developmental and epileptic encephalopathy, 5. Review status: criteria provided, single submitter. Criteria: ACMG Guidelines, 2015. Collection method: clinical testing. Allele origin: germline.
Comment: Absent from controls (or at extremely low frequency if recessive) in Genome Aggregation Database.;Missense variant in a gene that has a low rate of benign missense variation.

NM_001130438.3(SPTAN1):c.985G>A (p.Ala329Thr)

Gene: SPTAN1 (spectrin alpha, non-erythrocytic 1; plus strand). Cytogenetic location: 9q34.11.
Variant type: single nucleotide variant.
Coding change: c.985G>A on transcript NM_001130438.3 (MANE Select); coding-DNA position 985, G replaced by A.
Protein change: p.Ala329Thr; replaces alanine 329 with threonine.
Molecular consequence: missense variant.
Genome position (GRCh38, 1-based): chr9:128,577,406, G>A. VCF-style: chr9-128577406-G-A. GRCh37 (hg19) VCF-style: chr9-131339685-G-A.
Other names: c.985G>A, p.Ala329Thr (NM_001195532.2, NM_001363759.2, NM_001363765.2 and 10 more transcripts); c.1021G>A, p.Ala341Thr (NM_001375312.2, NM_001375318.1, NM_001438440.1); short protein forms A329T, A341T.
Identifiers: ClinVar variation 5007394 (VCV005007394.2).